The following is an entry in ClinVar:

NM_007294.4(BRCA1):c.4939A>C (p.Asn1647His)

Gene: BRCA1 (BRCA1 DNA repair associated; minus strand). Cytogenetic location: 17q21.31.
Variant type: single nucleotide variant.
Coding change: c.4939A>C on transcript NM_007294.4 (MANE Select); coding-DNA position 4939, A replaced by C.
Protein change: p.Asn1647His; replaces asparagine 1647 with histidine.
Molecular consequence: missense variant. On other transcripts: non-coding transcript variant (1).
Genome position (GRCh38, 1-based): chr17:43,070,975, T>G on the plus strand (A>C on the coding strand, the complement: BRCA1 is on the minus strand). VCF-style: chr17-43070975-T-G. GRCh37 (hg19) VCF-style: chr17-41222992-T-G.
Other names: c.4798A>C, p.Asn1600His (NM_001407728.1, NM_001407729.1, NM_001407730.1 and 13 more transcripts); c.4795A>C, p.Asn1599His (NM_001407732.1, NM_001407733.1, NM_001407734.1 and 21 more transcripts); c.4792A>C, p.Asn1598His (NM_001407838.1, NM_001407850.1, NM_001407851.1 and 12 more transcripts); c.4939A>C, p.Asn1647His (NM_001407854.1, NM_001407593.1, NM_001407594.1 and 8 more transcripts); c.4936A>C, p.Asn1646His (NM_001407858.1, NM_001407859.1, NM_001407860.1 and 17 more transcripts); c.4933A>C, p.Asn1645His (NM_001407861.1, NM_001407627.1, NM_001407628.1 and 14 more transcripts); c.4729A>C, p.Asn1577His (NM_001407887.1, NM_001407889.1, NM_001407879.1 and 5 more transcripts); c.4726A>C, p.Asn1576His (NM_001407894.1, NM_001407895.1, NM_001407896.1 and 12 more transcripts); and 70 more; short protein forms N1600H, N1647H, N1668H, N543H, N1493H, N1519H, N1520H, N1558H.
Identifiers: ClinVar variation 865438 (VCV000865438.3), dbSNP rs2052370892, ClinGen allele CA10591648.

Conditions:
Breast-ovarian cancer, familial, susceptibility to, 1 (BROVCA1). Also called: BRCA1 Hereditary Breast and Ovarian Cancer; OVARIAN CANCER, SUSCEPTIBILITY TO. Identifiers: Orphanet 145, MedGen C2676676, MONDO:0011450, OMIM 604370. Disease mechanism: loss of function.

Submission:

Brotman Baty Institute, University of Washington
No classification provided (evidence only). Condition: Breast-ovarian cancer, familial 1. Review status: no classification provided. Collection method: in vitro. Allele origin: not applicable. Functional consequence: functionally_normal.
ClinVar note: "not provided" was previously submitted as the classification for the variant. However, the classification appeared to be based only on an observation of functional data so it was converted to no classification on 2025-07-30.